The following is an entry in ClinVar:

NM_002070.4(GNAI2):c.143C>T (p.Thr48Ile)

Gene: GNAI2 (G protein subunit alpha i2; plus strand). Cytogenetic location: 3p21.31.
Variant type: single nucleotide variant.
Coding change: c.143C>T on transcript NM_002070.4 (MANE Select); coding-DNA position 143, C replaced by T.
Protein change: p.Thr48Ile; replaces threonine 48 with isoleucine.
Molecular consequence: missense variant. On other transcripts: 5 prime UTR variant (1), intron variant (1).
Genome position (GRCh38, 1-based): chr3:50,252,124, C>T. VCF-style: chr3-50252124-C-T. GRCh37 (hg19) VCF-style: chr3-50289556-C-T.
Other names: c.32C>T, p.Thr11Ile (NM_001166425.2); c.-14C>T (NM_001282617.2); c.95C>T, p.Thr32Ile (NM_001282619.2, NM_001282620.2); c.-82-273C>T (NM_001282618.2); short protein forms T11I, T32I, T48I.
Identifiers: ClinVar variation 3364947 (VCV003364947.1).

ClinVar aggregate classification (germline): Uncertain significance (1 of 4 stars; one submission).

Submission:

GeneDx
Classification: Uncertain significance. Last evaluated: 2023-11-30. Review status: criteria provided, single submitter. Criteria: GeneDx Variant Classification Process June 2021. Collection method: clinical testing. Allele origin: germline. Affected: yes.
Comment: Not observed at significant frequency in large population cohorts (gnomAD); In silico analysis supports that this missense variant has a deleterious effect on protein structure/function; Has not been previously published as pathogenic or benign to our knowledge; Variants in candidate genes are classified as variants of uncertain significance in accordance with ACMG guidelines (PMID: 25741868)